The following is an entry in ClinVar:

ClinVar aggregate classification (germline): Likely pathogenic (1 of 4 stars; one submission).

Conditions:
Metaphyseal chondrodysplasia, Schmid type (MCDS). Also called: SPONDYLOMETAPHYSEAL DYSPLASIA, JAPANESE TYPE. Identifiers: Orphanet 174, MedGen C0265289, MONDO:0007983, OMIM 156500.

Submission:

Neuberg Centre For Genomic Medicine, NCGM
Classification: Likely pathogenic for Metaphyseal chondrodysplasia, Schmid type. Review status: criteria provided, single submitter. Criteria: ACMG Guidelines, 2015. Collection method: clinical testing. Allele origin: germline. Inheritance: Autosomal dominant inheritance. Affected: yes.
Comment: This variant is predicted to cause loss of normal protein function either through protein truncation or nonsense-mediated mRNA decay. Loss of function variants have been previously reported to be disease causing (Chen M, et al. 2022). This variant is present in the last exon but majority of the disease causing variants are clustered in the C-terminal end. This variant has been submitted to ClinVar as disease causing but no details are available for independent assesment. Downstream loss of function variants have been reported to be disease causing For these reasons, this variant has been classified as Likely Pathogenic. Literature has been reviewed and no cases with hypoplasic nasal bone have been reported with Schmid dysplasia. Typically disease onset has been described in the form of short stature evident at 2 years of age. Based on this the variant has been tagged as an ADDITIONAL FINDING.

NM_000493.4(COL10A1):c.1766_1767del (p.Phe589fs)

Genes: COL10A1 (collagen type X alpha 1 chain; minus strand), NT5DC1 (5'-nucleotidase domain containing 1; plus strand). Cytogenetic location: 6q22.1.
Variant type: Deletion.
Coding change: c.1766_1767del on transcript NM_000493.4 (MANE Select); coding-DNA positions 1766 to 1767, 2 bases deleted (TT; older notation c.1766_1767delTT).
Protein change: p.Phe589fs; shifts the reading frame from phenylalanine 589.
Molecular consequence: frameshift variant. On other transcripts: intron variant (1).
Genome position (GRCh38, 1-based): chr6:116,120,349-116,120,350, AA deleted on the plus strand (TT on the coding strand, the reverse complement: COL10A1 is on the minus strand); deleting any 2 consecutive bases within chr6:116,120,349-116,120,351 gives the same sequence; the c. name uses the placement nearest the transcript's 3' end. VCF-style (leftmost placement, unchanged base first): chr6-116120348-TAA-T. GRCh37 (hg19) VCF-style: chr6-116441511-TAA-T.
Other names: c.1766_1767del, p.Phe589fs (NM_001424106.1, NM_001424107.1); c.529+2405_529+2406del (NM_152729.3); short protein forms F589fs.
Identifiers: ClinVar variation 4086221 (VCV004086221.1).
Genomic context (GRCh38, chr6:116,120,348, plus strand): 5'-CATGAGTCCCTTTCACATGCACGTGGTATGAAAAATAGTATATTCCTGGTATCTGACAAG[TAA>T]AGATTCCAGTCCTTGGGTCATAATGCTGTTGCCTGTTATACAAAATTTTATCAAATGGTA-3'